The following is an entry in ClinVar:

ClinVar aggregate classification (germline): Conflicting classifications of pathogenicity. Review status: criteria provided, conflicting classifications (1 of 4 stars). 9 submissions from 9 submitters: Uncertain significance (3); Likely benign (5). 1 of the submissions does not count toward it. Last evaluated 2026-08-01.

Conditions:
Norman-Roberts syndrome (LIS2). Also called: Lissencephaly 2 (Norman-Roberts type). Identifiers: Orphanet 89844, MedGen C0796089, MONDO:0009760, OMIM 257320.
Familial temporal lobe epilepsy 7. Identifiers: Orphanet 101046, MedGen C4225327, MONDO:0014639, OMIM 616436.
RELN-related disorder. Also called: RELN-related condition.

Allele frequency attached by ClinVar (database versions not stated): gnomAD 0.00018 and 0.00021; TOPMed 0.00050; gnomAD exomes 0.00068; ExAC 0.00069; 1000 Genomes Project 30x 0.00078; 1000 Genomes Project 0.00080.
gnomAD v4.1: 317 of 1,614,022 alleles (0.02%); highest among the groups gnomAD compares: East Asian, 0.34%; 2 homozygotes.

Submissions (9):

CeGaT Center for Human Genetics Tuebingen
Classification: Likely benign. Last evaluated: 2026-08-01. Review status: criteria provided, single submitter. Criteria: CeGaT Center For Human Genetics Tuebingen Variant Classification Criteria Version 2. Collection method: clinical testing. Allele origin: germline. Affected: yes. Observed: 1 variant allele.
Comment: RELN: BS2

Labcorp Genetics (formerly Invitae), Labcorp
Classification: Likely benign for Familial temporal lobe epilepsy 7; Norman-Roberts syndrome. Last evaluated: 2026-01-26. Review status: criteria provided, single submitter. Criteria: Invitae Variant Classification Sherloc (09022015). Collection method: clinical testing. Allele origin: germline.

ARUP Laboratories, Molecular Genetics and Genomics, ARUP Laboratories
Classification: Likely benign. Last evaluated: 2025-04-23. Review status: criteria provided, single submitter. Criteria: ARUP Molecular Germline Variant Investigation Process 2024. Collection method: clinical testing. Allele origin: germline.

Revvity Omics, Revvity
Classification: Uncertain significance for Norman-Roberts syndrome. Last evaluated: 2023-10-27. Review status: criteria provided, single submitter. Criteria: ACMG Guidelines, 2015. Collection method: clinical testing. Allele origin: germline.

Mayo Clinic Laboratories, Mayo Clinic
Classification: Uncertain significance. Last evaluated: 2021-11-26. Review status: criteria provided, single submitter. Criteria: ACMG Guidelines, 2015. Collection method: clinical testing. Allele origin: germline.

GeneDx
Classification: Likely benign. Last evaluated: 2020-12-31. Review status: criteria provided, single submitter. Criteria: GeneDx Variant Classification Process June 2021. Collection method: clinical testing. Allele origin: germline. Affected: yes.
Comment: In silico analysis, which includes protein predictors and evolutionary conservation, supports that this variant does not alter protein structure/function; This variant is associated with the following publications: (PMID: 30098700)

Eurofins Ntd Llc (ga)
Classification: Uncertain significance. Last evaluated: 2018-08-10. Review status: criteria provided, single submitter. Criteria: EGL ClinVar v180209 classification definitions. Collection method: clinical testing. Allele origin: germline. Observed: 6 variant alleles, 6 heterozygotes.

Illumina Laboratory Services, Illumina
Classification: Likely benign for Norman-Roberts syndrome. Last evaluated: 2018-01-13. Review status: criteria provided, single submitter. Criteria: ICSL Variant Classification Criteria 13 December 2019. Collection method: clinical testing. Allele origin: germline.
Comment: This variant was observed in the ICSL laboratory as part of a predisposition screen in an ostensibly healthy population. It had not been previously curated by ICSL or reported in the Human Gene Mutation Database (HGMD: prior to June 1st, 2018), and was therefore a candidate for classification through an automated scoring system. Utilizing variant allele frequency, disease prevalence and penetrance estimates, and inheritance mode, an automated score was calculated to assess if this variant is too frequent to cause the disease. Based on the score and internal cut-off values, a variant classified as likely benign is not then subjected to further curation. The score for this variant resulted in a classification of likely benign for this disease.

PreventionGenetics, part of Exact Sciences
Classification: Likely benign for RELN-related condition. Last evaluated: 2022-01-31. Review status: no assertion criteria provided. Collection method: clinical testing. Allele origin: germline. Not counted in ClinVar's aggregate classification.
Comment: This variant is classified as likely benign based on ACMG/AMP sequence variant interpretation guidelines (Richards et al. 2015 PMID: 25741868, with internal and published modifications).

NM_005045.4(RELN):c.8863C>T (p.Arg2955Cys)

Genes: RELN (reelin; minus strand), SLC26A5-AS1 (SLC26A5 antisense RNA 1; plus strand). Cytogenetic location: 7q22.1.
Variant type: single nucleotide variant.
Coding change: c.8863C>T on transcript NM_005045.4 (MANE Select); coding-DNA position 8863, C replaced by T.
Protein change: p.Arg2955Cys; replaces arginine 2955 with cysteine.
Molecular consequence: missense variant.
Genome position (GRCh38, 1-based): chr7:103,497,907, G>A on the plus strand (C>T on the coding strand, the complement: RELN is on the minus strand). VCF-style: chr7-103497907-G-A. GRCh37 (hg19) VCF-style: chr7-103138354-G-A.
Other names: p.Arg2955Cys; c.8863C>T, p.Arg2955Cys (NM_173054.3); short protein forms R2955C.
Identifiers: ClinVar variation 197982 (VCV000197982.31), dbSNP rs114501042, ClinGen allele CA246416.